The following is an entry in ClinVar:

NM_000051.4(ATM):c.7617A>G (p.Glu2539=)

Genes: ATM (ATM serine/threonine kinase; plus strand), C11orf65 (chromosome 11 open reading frame 65; minus strand). Cytogenetic location: 11q22.3.
Variant type: single nucleotide variant.
Coding change: c.7617A>G on transcript NM_000051.4 (MANE Select); coding-DNA position 7617, A replaced by G.
Protein change: p.Glu2539=; no amino-acid change (glutamic acid 2539 retained).
Molecular consequence: synonymous variant. On other transcripts: intron variant (2), non-coding transcript variant (1).
Genome position (GRCh38, 1-based): chr11:108,331,545, A>G. VCF-style: chr11-108331545-A-G. GRCh37 (hg19) VCF-style: chr11-108202272-A-G.
Other names: c.641-22474T>C (NM_001330368.2); c.*38+3675T>C (NM_001351110.2); c.7617A>G, p.Glu2539= (NM_001351834.2).
Identifiers: ClinVar variation 3253828 (VCV003253828.1), dbSNP rs1591168001.

ClinVar aggregate classification (germline): Benign (1 of 4 stars; one submission).

Conditions:
Familial cancer of breast. Also called: hereditary breast carcinoma; BREAST CANCER, FAMILIAL; Hereditary breast cancer. Identifiers: Orphanet 227535, MedGen C0346153, MONDO:0016419, OMIM 114480. Disease mechanism: loss of function.

Submission:

Myriad Genetics, Inc.
Classification: Benign for Familial cancer of breast. Last evaluated: 2024-06-14. Review status: criteria provided, single submitter. Criteria: Myriad Autosomal Dominant, Autosomal Recessive and X-Linked Classification Criteria (2023). Collection method: clinical testing. Allele origin: unknown.
Comment: This variant is considered benign. This variant is a silent/synonymous amino acid change and it is not expected to impact splicing.